The following is an entry in ClinVar:

ClinVar aggregate classification (germline): Uncertain significance. Review status: criteria provided, single submitter (1 of 4 stars). 2 submissions from 2 submitters: Uncertain significance (1). 1 of the submissions does not count toward it. Last evaluated 2024-05-13.

Conditions:
Familial exudative vitreoretinopathy. Identifiers: Orphanet 891, MedGen C0339539, MeSH D000080345, MONDO:0019516.

gnomAD v4.1: 15 of 1,613,646 alleles (0.00093%); highest among the groups gnomAD compares: African/African-American, 0.0013%; no homozygotes.

Submissions (2):

Labcorp Genetics (formerly Invitae), Labcorp
Classification: Uncertain significance. Last evaluated: 2024-05-13. Review status: criteria provided, single submitter. Criteria: Invitae Variant Classification Sherloc (09022015). Collection method: clinical testing. Allele origin: germline.
Comment: This sequence change replaces leucine, which is neutral and non-polar, with arginine, which is basic and polar, at codon 1081 of the LRP5 protein (p.Leu1081Arg). This variant is not present in population databases (gnomAD no frequency). This missense change has been observed in individual(s) with LRP5-related conditions (PMID: 28041643). ClinVar contains an entry for this variant (Variation ID: 437992). Advanced modeling of protein sequence and biophysical properties (such as structural, functional, and spatial information, amino acid conservation, physicochemical variation, residue mobility, and thermodynamic stability) has been performed at Invitae for this missense variant, however the output from this modeling did not meet the statistical confidence thresholds required to predict the impact of this variant on LRP5 protein function. In summary, the available evidence is currently insufficient to determine the role of this variant in disease. Therefore, it has been classified as a Variant of Uncertain Significance.

NIHR Bioresource Rare Diseases, University of Cambridge
Classification: Likely pathogenic. Last evaluated: 2015-01-01. Review status: no assertion criteria provided. Collection method: research. Allele origin: unknown. Affected: yes. Observed: 1 variant allele. Not counted in ClinVar's aggregate classification.

Literature cited by the submitters: PubMed 28041643 (cited by Labcorp Genetics (formerly Invitae), Labcorp and NIHR Bioresource Rare Diseases, University of Cambridge).

NM_002335.4(LRP5):c.3242T>G (p.Leu1081Arg)

Gene: LRP5 (LDL receptor related protein 5; plus strand). Cytogenetic location: 11q13.2.
Variant type: single nucleotide variant.
Coding change: c.3242T>G on transcript NM_002335.4 (MANE Select); coding-DNA position 3242, T replaced by G.
Protein change: p.Leu1081Arg; replaces leucine 1081 with arginine.
Molecular consequence: missense variant.
Genome position (GRCh38, 1-based): chr11:68,425,107, T>G. VCF-style: chr11-68425107-T-G. GRCh37 (hg19) VCF-style: chr11-68192575-T-G.
Other names: c.1499T>G, p.Leu500Arg (NM_001291902.2); short protein forms L1081R, L500R.
Identifiers: ClinVar variation 437992 (VCV000437992.4), dbSNP rs1308485193, ClinGen allele CA381621282.
Genomic context (GRCh38, chr11:68,425,107, plus strand): 5'-CTGTCCGAGGAGACGCCATCCCCACACCCGTCCTTCACCCGCCACCCTCCCGCAGGTACC[T>G]GTACTTCACCAACATGCAGGACCGGGCAGCCAAGATCGAACGCGCAGCCCTGGACGGCAC-3'
Protein context (NP_002326.2, residues 1071-1091): AIVVNAERGY[Leu1081Arg]YFTNMQDRAA